The following is an entry in ClinVar:

ClinVar aggregate classification (germline): Likely benign. Review status: criteria provided, single submitter (1 of 4 stars). 2 submissions from 1 submitter: Likely benign (2). Last evaluated 2018-01-12.

Conditions:
Fibrochondrogenesis 2 (FBCG2). Identifiers: Orphanet 2021, MedGen C3281128, MONDO:0013795, OMIM 614524.
Otospondylomegaepiphyseal dysplasia, autosomal recessive (OSMEDB). Also called: CHONDRODYSTROPHY WITH SENSORINEURAL DEAFNESS; Insley-Astley syndrome. Identifiers: Orphanet 1427, MedGen CN034493, MONDO:0044206, OMIM 215150.

Allele frequency attached by ClinVar (database versions not stated): TOPMed 0.00007; 1000 Genomes Project 0.00040; 1000 Genomes Project 30x 0.00062.
gnomAD v4.1: 51 of 1,475,998 alleles (0.0035%); highest among the groups gnomAD compares: Middle Eastern, 0.055%; no homozygotes.

Submissions (2):

Illumina Laboratory Services, Illumina
Classification: Likely benign for Otospondylomegaepiphyseal dysplasia, autosomal recessive. Last evaluated: 2018-01-12. Review status: criteria provided, single submitter. Criteria: ICSL Variant Classification Criteria 13 December 2019. Collection method: clinical testing. Allele origin: germline.
Comment: This variant was observed in the ICSL laboratory as part of a predisposition screen in an ostensibly healthy population. It had not been previously curated by ICSL or reported in the Human Gene Mutation Database (HGMD: prior to June 1st, 2018), and was therefore a candidate for classification through an automated scoring system. Utilizing variant allele frequency, disease prevalence and penetrance estimates, and inheritance mode, an automated score was calculated to assess if this variant is too frequent to cause the disease. Based on the score and internal cut-off values, a variant classified as likely benign is not then subjected to further curation. The score for this variant resulted in a classification of likely benign for this disease.

Illumina Laboratory Services, Illumina
Classification: Likely benign for Fibrochondrogenesis 2. Last evaluated: 2018-01-12. Review status: criteria provided, single submitter. Criteria: ICSL Variant Classification Criteria 13 December 2019. Collection method: clinical testing. Allele origin: germline.
Comment: the same text as in the submission from Illumina Laboratory Services, Illumina above.

NM_080680.3(COL11A2):c.*128C>G

Gene: COL11A2 (collagen type XI alpha 2 chain; minus strand). Cytogenetic location: 6p21.32.
Variant type: single nucleotide variant.
Coding change: c.*128C>G on transcript NM_080680.3 (MANE Select); 128 bases downstream of the stop codon, C replaced by G.
Molecular consequence: 3 prime UTR variant.
Genome position (GRCh38, 1-based): chr6:33,163,550, G>C on the plus strand (C>G on the coding strand, the complement: COL11A2 is on the minus strand). VCF-style: chr6-33163550-G-C. GRCh37 (hg19) VCF-style: chr6-33131327-G-C.
Other names: c.*128C>G (NM_080679.3, NM_080681.3).
Identifiers: ClinVar variation 356379 (VCV000356379.6), dbSNP rs528560777, ClinGen allele CA10626651.
Genomic context (GRCh38, chr6:33,163,550, plus strand): 5'-CTCCTCCCGTGGGGTGTCCAGGCAACCACTTCACCCCTCCCCTGGCCTGCCCCGACTGAG[G>C]GCTCTCCACGCCCTGGCCCAGGGCTCCCTAGATAGTGAGGAGCCCTCTTGGGAGGTGGCA-3'